The following is an entry in ClinVar:

NM_000179.3(MSH6):c.504A>G (p.Ala168=)

Gene: MSH6 (mutS homolog 6; plus strand). Cytogenetic location: 2p16.3.
Variant type: single nucleotide variant.
Coding change: c.504A>G on transcript NM_000179.3 (MANE Select); coding-DNA position 504, A replaced by G.
Protein change: p.Ala168=; no amino-acid change (alanine 168 retained).
Molecular consequence: synonymous variant. On other transcripts: 5 prime UTR variant (1), intron variant (2).
Genome position (GRCh38, 1-based): chr2:47,795,940, A>G. VCF-style: chr2-47795940-A-G. GRCh37 (hg19) VCF-style: chr2-48023079-A-G.
Other names: c.-399A>G (NM_001281494.2); c.-279-2671A>G (NM_001281493.2); c.238-2671A>G (NM_001281492.2).
Identifiers: ClinVar variation 378163 (VCV000378163.19), dbSNP rs1057520319, ClinGen allele CA16604296.

ClinVar aggregate classification (germline): Benign/Likely benign. Review status: criteria provided, multiple submitters, no conflicts (2 of 4 stars). 6 submissions from 6 submitters: Benign (1); Likely benign (5). Last evaluated 2025-05-13.

Conditions:
Hereditary nonpolyposis colorectal neoplasms. Identifiers: MedGen C0009405, MeSH D003123.
Hereditary cancer-predisposing syndrome. Also called: Hereditary neoplastic syndrome; Hereditary Cancer Syndrome; Neoplastic Syndromes, Hereditary; Tumor predisposition. Identifiers: Orphanet 140162, MedGen C0027672, MeSH D009386, MONDO:0015356.
Lynch syndrome 5 (LYNCH5). Also called: Colorectal cancer, hereditary nonpolyposis, type 5; Hereditary non-polyposis colorectal cancer, type 5. Identifiers: Orphanet 144, MedGen C1833477, MONDO:0013710, OMIM 614350. Disease mechanism: loss of function.

Allele frequency attached by ClinVar (database versions not stated): gnomAD exomes below 0.00001.
gnomAD v4.1: 6 of 1,614,194 alleles (0.00037%); highest among the groups gnomAD compares: Non-Finnish European, 0.00042%; no homozygotes.

Submissions (6):

Labcorp Genetics (formerly Invitae), Labcorp
Classification: Likely benign for Hereditary nonpolyposis colorectal neoplasms. Last evaluated: 2025-05-13. Review status: criteria provided, single submitter. Criteria: Invitae Variant Classification Sherloc (09022015). Collection method: clinical testing. Allele origin: germline.

Myriad Genetics, Inc.
Classification: Benign for Lynch syndrome 5. Last evaluated: 2024-12-18. Review status: criteria provided, single submitter. Criteria: Myriad Autosomal Dominant, Autosomal Recessive and X-Linked Classification Criteria (2023). Collection method: clinical testing. Allele origin: unknown.
Comment: This variant is considered benign. This variant is a silent/synonymous amino acid change and it is not expected to impact splicing.

Women's Health and Genetics/Laboratory Corporation of America, LabCorp
Classification: Likely benign. Last evaluated: 2020-09-11. Review status: criteria provided, single submitter. Criteria: LabCorp Variant Classification Summary - May 2015. Collection method: clinical testing. Allele origin: germline.

Color Diagnostics, LLC DBA Color Health
Classification: Likely benign for Hereditary cancer-predisposing syndrome. Last evaluated: 2017-05-26. Review status: criteria provided, single submitter. Criteria: ACMG Guidelines, 2015. Collection method: clinical testing. Allele origin: germline.

GeneDx
Classification: Likely benign. Last evaluated: 2016-09-12. Review status: criteria provided, single submitter. Criteria: GeneDx Variant Classification (06012015). Collection method: clinical testing. Allele origin: germline. Affected: yes.
Comment: This variant is considered likely benign or benign based on one or more of the following criteria: it is a conservative change, it occurs at a poorly conserved position in the protein, it is predicted to be benign by multiple in silico algorithms, and/or has population frequency not consistent with disease.

Ambry Genetics
Classification: Likely benign for Hereditary cancer-predisposing syndrome. Last evaluated: 2016-01-25. Review status: criteria provided, single submitter. Criteria: Ambry Variant Classification Scheme 2023. Collection method: clinical testing. Allele origin: germline.